The following is an entry in ClinVar:

NM_004304.5(ALK):c.4810T>C (p.Tyr1604His)

Gene: ALK (ALK receptor tyrosine kinase; minus strand). Cytogenetic location: 2p23.2.
Variant type: single nucleotide variant.
Coding change: c.4810T>C on transcript NM_004304.5 (MANE Select); coding-DNA position 4810, T replaced by C.
Protein change: p.Tyr1604His; replaces tyrosine 1604 with histidine.
Molecular consequence: missense variant.
Genome position (GRCh38, 1-based): chr2:29,193,277, A>G on the plus strand (T>C on the coding strand, the complement: ALK is on the minus strand). VCF-style: chr2-29193277-A-G. GRCh37 (hg19) VCF-style: chr2-29416143-A-G.
Other names: c.1606T>C, p.Tyr536His (NM_001353765.2); short protein forms Y1604H, Y536H.
Identifiers: ClinVar variation 2571762 (VCV002571762.1), dbSNP rs2148137030, ClinGen allele CA346460158.

ClinVar aggregate classification (germline): Uncertain significance (1 of 4 stars; one submission).

Submission:

GeneDx
Classification: Uncertain significance. Last evaluated: 2023-01-10. Review status: criteria provided, single submitter. Criteria: GeneDx Variant Classification Process June 2021. Collection method: clinical testing. Allele origin: germline. Affected: yes.
Comment: Not observed at significant frequency in large population cohorts (gnomAD); In silico analysis supports that this missense variant does not alter protein structure/function; Has not been previously published as pathogenic or benign to our knowledge